The following is an entry in ClinVar:

ClinVar aggregate classification (germline): Uncertain significance. Review status: criteria provided, multiple submitters, no conflicts (2 of 4 stars). 2 submissions from 2 submitters: Uncertain significance (2). Last evaluated 2025-06-10.

Conditions:
Inborn genetic diseases. Identifiers: MedGen C0950123, MeSH D030342.

Allele frequency attached by ClinVar (database versions not stated): TOPMed 0.00001; gnomAD 0.00003; ExAC 0.00001.
gnomAD v4.1: 11 of 1,613,960 alleles (0.00068%); highest among the groups gnomAD compares: African/African-American, 0.0027%; no homozygotes.

Submissions (2):

GeneDx
Classification: Uncertain significance. Last evaluated: 2025-06-10. Review status: criteria provided, single submitter. Criteria: GeneDx Variant Classification Process June 2021. Collection method: clinical testing. Allele origin: germline. Affected: yes.
Comment: In silico analysis supports that this missense variant has a deleterious effect on protein structure/function; Has not been previously published as pathogenic or benign to our knowledge; This variant is associated with the following publications: (PMID: PirimD2019[Article])

Ambry Genetics
Classification: Uncertain significance for Inborn genetic diseases. Last evaluated: 2021-10-29. Review status: criteria provided, single submitter. Criteria: Ambry Variant Classification Scheme 2023. Collection method: clinical testing. Allele origin: germline.

NM_019026.6(TMCO1):c.52A>C (p.Thr18Pro)

Gene: TMCO1 (transmembrane and coiled-coil domains 1; minus strand). Cytogenetic location: 1q24.1.
Variant type: single nucleotide variant.
Coding change: c.52A>C on transcript NM_019026.6 (MANE Select); coding-DNA position 52, A replaced by C.
Protein change: p.Thr18Pro; replaces threonine 18 with proline.
Molecular consequence: missense variant. On other transcripts: 5 prime UTR variant (1), intron variant (1).
Genome position (GRCh38, 1-based): chr1:165,768,700, T>G on the plus strand (A>C on the coding strand, the complement: TMCO1 is on the minus strand). VCF-style: chr1-165768700-T-G. GRCh37 (hg19) VCF-style: chr1-165737937-T-G.
Other names: c.205A>C (NM_019026.4); c.-185A>C (NM_001256165.1); c.146+59A>C (NM_001256164.1); short protein forms T18P.
Identifiers: ClinVar variation 2258675 (VCV002258675.3), dbSNP rs757084156, ClinGen allele CA1221794.
Genomic context (GRCh38, chr1:165,768,700, plus strand): 5'-TCCCGGGGACTGATCAAACGTCTGAGAAATACCCGCTCTCACCCTCTGCGAGCAGAGCCG[T>G]GCACACAGAGATAAAAACGATGAGGAGAGTGTCCGCGAACATAGTGCTCATCTCGCACCT-3'
Protein context (NP_061899.3, residues 8-28): TLLIVFISVC[Thr18Pro]ALLAEGITWV